The following is an entry in ClinVar:

NM_032119.4(ADGRV1):c.5740G>A (p.Ala1914Thr)

Gene: ADGRV1 (adhesion G protein-coupled receptor V1; plus strand). Cytogenetic location: 5q14.3.
Variant type: single nucleotide variant.
Coding change: c.5740G>A on transcript NM_032119.4 (MANE Select); coding-DNA position 5740, G replaced by A.
Protein change: p.Ala1914Thr; replaces alanine 1914 with threonine.
Molecular consequence: missense variant. On other transcripts: non-coding transcript variant (1).
Genome position (GRCh38, 1-based): chr5:90,683,661, G>A. VCF-style: chr5-90683661-G-A. GRCh37 (hg19) VCF-style: chr5-89979478-G-A.
Other names: c.5740G>A (NM_032119.3); short protein forms A1914T.
Identifiers: ClinVar variation 1450558 (VCV001450558.9), dbSNP rs200965928, ClinGen allele CA3339655.

ClinVar aggregate classification (germline): Conflicting classifications of pathogenicity. Review status: criteria provided, conflicting classifications (1 of 4 stars). 4 submissions from 4 submitters: Uncertain significance (3); Benign (1). Last evaluated 2026-01-03.

Conditions:
ADGRV1-related disorder. Also called: ADGRV1-related disorders; ADGRV1-related condition.
Inborn genetic diseases. Identifiers: MedGen C0950123, MeSH D030342.

Allele frequency attached by ClinVar (database versions not stated): gnomAD 0.00001; ExAC 0.00002; gnomAD exomes 0.00002; TOPMed 0.00003; ESP Exome Variant Server 0.00008; 1000 Genomes Project 30x 0.00016; 1000 Genomes Project 0.00020.
gnomAD v4.1: 14 of 1,613,482 alleles (0.00087%); highest among the groups gnomAD compares: African/African-American, 0.0067%; no homozygotes.

Submissions (4):

Labcorp Genetics (formerly Invitae), Labcorp
Classification: Benign. Last evaluated: 2026-01-03. Review status: criteria provided, single submitter. Criteria: Invitae Variant Classification Sherloc (09022015). Collection method: clinical testing. Allele origin: germline.

PreventionGenetics, part of Exact Sciences
Classification: Uncertain significance for ADGRV1-related condition. Last evaluated: 2025-08-04. Review status: criteria provided, single submitter. Criteria: ACMG Guidelines, 2015. Collection method: clinical testing. Allele origin: germline.
Comment: The ADGRV1 c.5740G>A variant is predicted to result in the amino acid substitution p.Ala1914Thr. To our knowledge, this variant has not been reported in the literature. This variant is reported in 0.0065% of alleles in individuals of African descent in gnomAD. At this time, the clinical significance of this variant is uncertain due to the absence of conclusive functional and genetic evidence.

Ambry Genetics
Classification: Uncertain significance for Inborn genetic diseases. Last evaluated: 2024-10-01. Review status: criteria provided, single submitter. Criteria: Ambry Variant Classification Scheme 2023. Collection method: clinical testing. Allele origin: germline.

Blueprint Genetics
Classification: Uncertain significance. Last evaluated: 2021-12-07. Review status: criteria provided, single submitter. Criteria: ACMG Guidelines, 2015. Collection method: clinical testing. Allele origin: germline.